The following is an entry in ClinVar:

NM_032603.5(LOXL3):c.700G>C (p.Ala234Pro)

Gene: LOXL3 (lysyl oxidase like 3; minus strand). Cytogenetic location: 2p13.1.
Variant type: single nucleotide variant.
Coding change: c.700G>C on transcript NM_032603.5 (MANE Select); coding-DNA position 700, G replaced by C.
Protein change: p.Ala234Pro; replaces alanine 234 with proline.
Molecular consequence: missense variant. On other transcripts: intron variant (2).
Genome position (GRCh38, 1-based): chr2:74,536,921, C>G on the plus strand (G>C on the coding strand, the complement: LOXL3 is on the minus strand). VCF-style: chr2-74536921-C-G. GRCh37 (hg19) VCF-style: chr2-74764048-C-G.
Other names: c.478-450G>C (NM_001289164.3); c.-171-450G>C (NM_001289165.2); c.700G>C (NM_032603.2); short protein forms A234P.
Identifiers: ClinVar variation 1416780 (VCV001416780.7), dbSNP rs2104401143, ClinGen allele CA347391532.

ClinVar aggregate classification (germline): Uncertain significance. Review status: criteria provided, multiple submitters, no conflicts (2 of 4 stars). 2 submissions from 2 submitters: Uncertain significance (2). Last evaluated 2025-01-18.

Submissions (2):

Ambry Genetics
Classification: Uncertain significance. Last evaluated: 2025-01-18. Review status: criteria provided, single submitter. Criteria: Ambry Variant Classification Scheme 2023. Collection method: clinical testing. Allele origin: germline.

Labcorp Genetics (formerly Invitae), Labcorp
Classification: Uncertain significance. Last evaluated: 2022-07-12. Review status: criteria provided, single submitter. Criteria: Invitae Variant Classification Sherloc (09022015). Collection method: clinical testing. Allele origin: germline.
Comment: Algorithms developed to predict the effect of missense changes on protein structure and function are either unavailable or do not agree on the potential impact of this missense change (SIFT: "Tolerated"; PolyPhen-2: "Possibly Damaging"; Align-GVGD: "Class C0"). In summary, the available evidence is currently insufficient to determine the role of this variant in disease. Therefore, it has been classified as a Variant of Uncertain Significance. This variant has not been reported in the literature in individuals affected with LOXL3-related conditions. This variant is not present in population databases (gnomAD no frequency). ClinVar contains an entry for this variant (Variation ID: 1416780). This sequence change replaces alanine, which is neutral and non-polar, with proline, which is neutral and non-polar, at codon 234 of the LOXL3 protein (p.Ala234Pro).